The following is an entry in ClinVar:

ClinVar aggregate classification (germline): Uncertain significance. Review status: criteria provided, multiple submitters, no conflicts (2 of 4 stars). 2 submissions from 2 submitters: Uncertain significance (2). Last evaluated 2025-03-26.

Conditions:
Inborn genetic diseases. Identifiers: MedGen C0950123, MeSH D030342.

Allele frequency attached by ClinVar (database versions not stated): 1000 Genomes Project 30x 0.00016.
gnomAD v4.1: 67 of 1,610,252 alleles (0.0042%); highest among the groups gnomAD compares: South Asian, 0.026%; no homozygotes.

Submissions (2):

Ambry Genetics
Classification: Uncertain significance for Inborn genetic diseases. Last evaluated: 2025-03-26. Review status: criteria provided, single submitter. Criteria: Ambry Variant Classification Scheme 2023. Collection method: clinical testing. Allele origin: germline.

Labcorp Genetics (formerly Invitae), Labcorp
Classification: Uncertain significance. Last evaluated: 2022-06-08. Review status: criteria provided, single submitter. Criteria: Invitae Variant Classification Sherloc (09022015). Collection method: clinical testing. Allele origin: germline.
Comment: This sequence change replaces arginine, which is basic and polar, with glutamine, which is neutral and polar, at codon 1994 of the CCDC88C protein (p.Arg1994Gln). This variant is present in population databases (rs187949234, gnomAD 0.03%). This variant has not been reported in the literature in individuals affected with CCDC88C-related conditions. Algorithms developed to predict the effect of missense changes on protein structure and function are either unavailable or do not agree on the potential impact of this missense change (SIFT: "Tolerated"; PolyPhen-2: "Possibly Damaging"; Align-GVGD: "Class C0"). Algorithms developed to predict the effect of sequence changes on RNA splicing suggest that this variant may create or strengthen a splice site. In summary, the available evidence is currently insufficient to determine the role of this variant in disease. Therefore, it has been classified as a Variant of Uncertain Significance.

NM_001080414.4(CCDC88C):c.5981G>A (p.Arg1994Gln)

Gene: CCDC88C (coiled-coil domain containing 88C; minus strand). Cytogenetic location: 14q32.11.
Variant type: single nucleotide variant.
Coding change: c.5981G>A on transcript NM_001080414.4 (MANE Select); coding-DNA position 5981, G replaced by A.
Protein change: p.Arg1994Gln; replaces arginine 1994 with glutamine.
Molecular consequence: missense variant.
Genome position (GRCh38, 1-based): chr14:91,272,731, C>T on the plus strand (G>A on the coding strand, the complement: CCDC88C is on the minus strand). VCF-style: chr14-91272731-C-T. GRCh37 (hg19) VCF-style: chr14-91739075-C-T.
Other names: c.5981G>A (NM_001080414.3); short protein forms R1994Q.
Identifiers: ClinVar variation 2162396 (VCV002162396.2), dbSNP rs187949234, ClinGen allele CA7308541.
Genomic context (GRCh38, chr14:91,272,731, plus strand): 5'-GGCTCCGGGGAGGCCGGACTGCTCTTTGAGACGCTCCCTCGACTGCAGTCCTCCAGGGCC[C>T]GGCCGAGGTGGGGAGCCAAATCGGGAGACCGACCTGGGCTCTTGGCCGGAAGCCCCTCAC-3'
Protein context (NP_001073883.2, residues 1984-2004): RSPDLAPHLG[Arg1994Gln]ALEDCSRGSV